The following is an entry in ClinVar:

ClinVar aggregate classification (germline): Uncertain significance (1 of 4 stars; one submission).

Conditions:
Inborn genetic diseases. Identifiers: MedGen C0950123, MeSH D030342.

Submission:

Ambry Genetics
Classification: Uncertain significance for Inborn genetic diseases. Last evaluated: 2025-08-09. Review status: criteria provided, single submitter. Criteria: Ambry Variant Classification Scheme 2023. Collection method: clinical testing. Allele origin: germline.
Comment: The p.K273R variant (also known as c.818A>G), located in coding exon 1 of the CEBPA gene, results from an A to G substitution at nucleotide position 818. The lysine at codon 273 is replaced by arginine, an amino acid with highly similar properties. This amino acid position is conserved. In addition, this alteration is predicted to be tolerated by in silico analysis. Based on the available evidence, the clinical significance of this variant remains unclear.

NM_004364.5(CEBPA):c.818A>G (p.Lys273Arg)

Gene: CEBPA (CCAAT enhancer binding protein alpha; minus strand). Cytogenetic location: 19q13.11.
Variant type: single nucleotide variant.
Coding change: c.818A>G on transcript NM_004364.5 (MANE Select); coding-DNA position 818, A replaced by G.
Protein change: p.Lys273Arg; replaces lysine 273 with arginine.
Molecular consequence: missense variant.
Genome position (GRCh38, 1-based): chr19:33,301,597, T>C on the plus strand (A>G on the coding strand, the complement: CEBPA is on the minus strand). VCF-style: chr19-33301597-T-C. GRCh37 (hg19) VCF-style: chr19-33792503-T-C.
Other names: c.461A>G, p.Lys154Arg (NM_001285829.2); c.923A>G, p.Lys308Arg (NM_001287424.2); c.776A>G, p.Lys259Arg (NM_001287435.2); short protein forms K154R, K259R, K308R, K273R.
Identifiers: ClinVar variation 4225045 (VCV004225045.1).